The following is an entry in ClinVar:

NM_001130009.3(GEN1):c.1325A>C (p.Glu442Ala)

Gene: GEN1 (GEN1 structure-specific endonuclease; plus strand). Cytogenetic location: 2p24.2.
Variant type: single nucleotide variant.
Coding change: c.1325A>C on transcript NM_001130009.3 (MANE Select); coding-DNA position 1325, A replaced by C.
Protein change: p.Glu442Ala; replaces glutamic acid 442 with alanine.
Molecular consequence: missense variant.
Genome position (GRCh38, 1-based): chr2:17,780,038, A>C. VCF-style: chr2-17780038-A-C. GRCh37 (hg19) VCF-style: chr2-17961305-A-C.
Other names: c.1325A>C, p.Glu442Ala (NM_182625.5); short protein forms E442A.
Identifiers: ClinVar variation 4671512 (VCV004671512.1).
Genomic context (GRCh38, chr2:17,780,038, plus strand): 5'-AACATTATGCTATGGAAGATAAACAACATGGAGAATTTGCTTTATTAACAATTGAGGAAG[A>C]ATCATTGTTTGAAGCAGCATATCCTGAGATCGTTGCTGTTTACCAAAAACAAAAGTTAGA-3'
Protein context (NP_001123481.3, residues 432-452): GEFALLTIEE[Glu442Ala]SLFEAAYPEI

ClinVar aggregate classification (germline): Uncertain significance (1 of 4 stars; one submission).

Submission:

Ambry Genetics
Classification: Uncertain significance. Last evaluated: 2025-11-26. Review status: criteria provided, single submitter. Criteria: Ambry Variant Classification Scheme 2023. Collection method: clinical testing. Allele origin: germline.
Comment: The p.E442A variant (also known as c.1325A>C), located in coding exon 12 of the GEN1 gene, results from an A to C substitution at nucleotide position 1325. The glutamic acid at codon 442 is replaced by alanine, an amino acid with dissimilar properties. This amino acid position is conserved. In addition, this alteration is predicted to be tolerated by in silico analysis. Based on the available evidence, the clinical significance of this variant remains unclear.